The following is an entry in ClinVar:

ClinVar aggregate classification (germline): Pathogenic (1 of 4 stars; one submission).

Conditions:
Hereditary cancer-predisposing syndrome. Also called: Tumor predisposition; Hereditary neoplastic syndrome; Neoplastic Syndromes, Hereditary; Hereditary Cancer Syndrome. Identifiers: Orphanet 140162, MedGen C0027672, MeSH D009386, MONDO:0015356.

Allele frequency attached by ClinVar (database versions not stated): gnomAD exomes 0.00001.

Submission:

Ambry Genetics
Classification: Pathogenic for Hereditary cancer-predisposing syndrome. Last evaluated: 2024-06-03. Review status: criteria provided, single submitter. Criteria: Ambry Variant Classification Scheme 2023. Collection method: clinical testing. Allele origin: germline.
Comment: The c.1017dupC pathogenic mutation, located in coding exon 7 of the RAD50 gene, results from a duplication of C at nucleotide position 1017, causing a translational frameshift with a predicted alternate stop codon (p.N340Qfs*10). This alteration was identified in a cohort of families with multiple cases of breast and/or ovarian cancer diagnoses undergoing multigene panel testing (Li J et al. J. Med. Genet. 2016 Jan;53:34-42). This variant is considered to be rare based on population cohorts in the Genome Aggregation Database (gnomAD). In addition to the clinical data presented in the literature, this alteration is expected to result in loss of function by premature protein truncation or nonsense-mediated mRNA decay. As such, this alteration is interpreted as a disease-causing mutation.

Literature cited by the submitters: PubMed 26534844.

NM_005732.4(RAD50):c.1017dup (p.Asn340fs)

Gene: RAD50 (RAD50 double strand break repair protein; plus strand). Cytogenetic location: 5q31.1.
Variant type: Duplication.
Coding change: c.1017dup on transcript NM_005732.4 (MANE Select); coding-DNA position 1017, one base duplicated (C; older notation c.1017dupC).
Protein change: p.Asn340fs; shifts the reading frame from asparagine 340.
Molecular consequence: frameshift variant.
Genome position (GRCh38, 1-based): chr5:132,588,055, C duplicated. VCF-style (leftmost placement, unchanged base first): chr5-132588054-T-TC. GRCh37 (hg19) VCF-style: chr5-131923746-T-TC.
Other names: short protein forms N340fs.
Identifiers: ClinVar variation 818268 (VCV000818268.5), dbSNP rs753905518, ClinGen allele CA127242932.